The following is an entry in ClinVar:

NM_022437.3(ABCG8):c.752T>A (p.Leu251Gln)

Gene: ABCG8 (ATP binding cassette subfamily G member 8; plus strand). Cytogenetic location: 2p21.
Variant type: single nucleotide variant.
Coding change: c.752T>A on transcript NM_022437.3 (MANE Select); coding-DNA position 752, T replaced by A.
Protein change: p.Leu251Gln; replaces leucine 251 with glutamine.
Molecular consequence: missense variant.
Genome position (GRCh38, 1-based): chr2:43,852,656, T>A. VCF-style: chr2-43852656-T-A. GRCh37 (hg19) VCF-style: chr2-44079795-T-A.
Other names: c.752T>A, p.Leu251Gln (NM_001357321.2); short protein forms L251Q.
Identifiers: ClinVar variation 3992646 (VCV003992646.2).
Genomic context (GRCh38, chr2:43,852,656, plus strand): 5'-AAGGAATCCTTATTCTCGACGAACCCACCTCTGGGCTCGACAGCTTCACAGCCCACAACC[T>A]GGTGAAGACCTTGTCCAGGCTGGCCAAAGGCAACCGGCTGGTGCTCATCTCCCTCCACCA-3'
Protein context (NP_071882.1, residues 241-261): SGLDSFTAHN[Leu251Gln]VKTLSRLAKG

ClinVar aggregate classification (germline): Uncertain significance. Review status: criteria provided, multiple submitters, no conflicts (2 of 4 stars). 2 submissions from 2 submitters: Uncertain significance (2). Last evaluated 2025-05-08.

Conditions:
Sitosterolemia 1. Identifiers: MedGen C2749759, MONDO:0020747, OMIM 210250.
Cardiovascular phenotype. Identifiers: MedGen CN230736.

gnomAD v4.1: 2 of 1,614,068 alleles (0.00012%); highest among the groups gnomAD compares: Non-Finnish European, 0.000085%; no homozygotes.

Submissions (2):

Ambry Genetics
Classification: Uncertain significance for Cardiovascular phenotype. Last evaluated: 2025-05-08. Review status: criteria provided, single submitter. Criteria: Ambry Variant Classification Scheme 2023. Collection method: clinical testing. Allele origin: germline.
Comment: The p.L251Q variant (also known as c.752T>A), located in coding exon 6 of the ABCG8 gene, results from a T to A substitution at nucleotide position 752. The leucine at codon 251 is replaced by glutamine, an amino acid with dissimilar properties. This amino acid position is conserved. In addition, this alteration is predicted to be deleterious by in silico analysis. Based on the available evidence, the clinical significance of this variant remains unclear.

Revvity Omics, Revvity
Classification: Uncertain significance for Sitosterolemia 1. Last evaluated: 2024-08-30. Review status: criteria provided, single submitter. Criteria: ACMG Guidelines, 2015. Collection method: clinical testing. Allele origin: germline.